The following is an entry in ClinVar:

NM_001166108.2(PALLD):c.65A>G (p.Lys22Arg)

Gene: PALLD (palladin, cytoskeletal associated protein; plus strand). Cytogenetic location: 4q32.3.
Variant type: single nucleotide variant.
Coding change: c.65A>G on transcript NM_001166108.2 (MANE Select); coding-DNA position 65, A replaced by G.
Protein change: p.Lys22Arg; replaces lysine 22 with arginine.
Molecular consequence: missense variant.
Genome position (GRCh38, 1-based): chr4:168,511,569, A>G. VCF-style: chr4-168511569-A-G. GRCh37 (hg19) VCF-style: chr4-169432720-A-G.
Other names: c.65A>G, p.Lys22Arg (NM_016081.4); short protein forms K22R.
Identifiers: ClinVar variation 348026 (VCV000348026.7), dbSNP rs201343910, ClinGen allele CA3135287.

ClinVar aggregate classification (germline): Conflicting classifications of pathogenicity. Review status: criteria provided, conflicting classifications (1 of 4 stars). 2 submissions from 2 submitters: Uncertain significance (1); Benign (1). Last evaluated 2024-01-01.

Conditions:
Pancreatic cancer, susceptibility to, 1. Identifiers: Orphanet 1333, MedGen C1847351, MONDO:0011739, OMIM 606856.

Allele frequency attached by ClinVar (database versions not stated): gnomAD 0.00001; gnomAD exomes 0.00001 and 0.00002; TOPMed 0.00001; ExAC 0.00002; 1000 Genomes Project 30x 0.00016; 1000 Genomes Project 0.00020.
gnomAD v4.1: 6 of 1,613,972 alleles (0.00037%); highest among the groups gnomAD compares: Admixed American, 0.01%; no homozygotes.

Submissions (2):

Ambry Genetics
Classification: Uncertain significance. Last evaluated: 2024-01-01. Review status: criteria provided, single submitter. Criteria: Ambry Variant Classification Scheme 2023. Collection method: clinical testing. Allele origin: germline.
Comment: The p.K22R variant (also known as c.65A>G), located in coding exon 1 of the PALLD gene, results from an A to G substitution at nucleotide position 65. The lysine at codon 22 is replaced by arginine, an amino acid with highly similar properties. This amino acid position is conserved. In addition, this alteration is predicted to be tolerated by in silico analysis. Since supporting evidence is limited at this time, the clinical significance of this alteration remains unclear.

Illumina Laboratory Services, Illumina
Classification: Benign for Pancreatic cancer, susceptibility to, 1. Last evaluated: 2018-01-13. Review status: criteria provided, single submitter. Criteria: ICSL Variant Classification Criteria 13 December 2019. Collection method: clinical testing. Allele origin: germline.
Comment: This variant was observed in the ICSL laboratory as part of a predisposition screen in an ostensibly healthy population. It had not been previously curated by ICSL or reported in the Human Gene Mutation Database (HGMD: prior to June 1st, 2018), and was therefore a candidate for classification through an automated scoring system. Utilizing variant allele frequency, disease prevalence and penetrance estimates, and inheritance mode, an automated score was calculated to assess if this variant is too frequent to cause the disease. Based on the score and internal cut-off values, a variant classified as benign is not then subjected to further curation. The score for this variant resulted in a classification of benign for this disease.